The following is an entry in ClinVar:

NM_002788.4(PSMA3):c.82A>G (p.Met28Val)

Gene: PSMA3 (proteasome 20S subunit alpha 3; plus strand). Cytogenetic location: 14q23.1.
Variant type: single nucleotide variant.
Coding change: c.82A>G on transcript NM_002788.4 (MANE Select); coding-DNA position 82, A replaced by G.
Protein change: p.Met28Val; replaces methionine 28 with valine.
Molecular consequence: missense variant.
Genome position (GRCh38, 1-based): chr14:58,247,810, A>G. VCF-style: chr14-58247810-A-G. GRCh37 (hg19) VCF-style: chr14-58714528-A-G.
Other names: c.82A>G, p.Met28Val (NM_152132.3); short protein forms M28V.
Identifiers: ClinVar variation 3002023 (VCV003002023.3), dbSNP rs745370797, ClinGen allele CA7203660.

ClinVar aggregate classification (germline): Uncertain significance (1 of 4 stars; one submission).

Allele frequency attached by ClinVar (database versions not stated): ExAC 0.00001; gnomAD exomes 0.00001.
gnomAD v4.1: 8 of 1,603,418 alleles (0.0005%); highest among the groups gnomAD compares: Non-Finnish European, 0.0006%; no homozygotes.

Submission:

Labcorp Genetics (formerly Invitae), Labcorp
Classification: Uncertain significance. Last evaluated: 2024-10-29. Review status: criteria provided, single submitter. Criteria: Invitae Variant Classification Sherloc (09022015). Collection method: clinical testing. Allele origin: germline.
Comment: This sequence change replaces methionine, which is neutral and non-polar, with valine, which is neutral and non-polar, at codon 28 of the PSMA3 protein (p.Met28Val). This variant is present in population databases (rs745370797, gnomAD 0.01%). This variant has not been reported in the literature in individuals affected with PSMA3-related conditions. ClinVar contains an entry for this variant (Variation ID: 3002023). An algorithm developed to predict the effect of missense changes on protein structure and function (PolyPhen-2) suggests that this variant is likely to be tolerated. In summary, the available evidence is currently insufficient to determine the role of this variant in disease. Therefore, it has been classified as a Variant of Uncertain Significance.